The following is an entry in ClinVar:

ClinVar aggregate classification (germline): Conflicting classifications of pathogenicity. Review status: criteria provided, conflicting classifications (1 of 4 stars). 2 submissions from 2 submitters: Uncertain significance (1); Likely benign (1). Last evaluated 2023-03-23.

Conditions:
Hereditary cancer-predisposing syndrome. Also called: Neoplastic Syndromes, Hereditary; Tumor predisposition; Hereditary Cancer Syndrome; Hereditary neoplastic syndrome. Identifiers: Orphanet 140162, MedGen C0027672, MeSH D009386, MONDO:0015356.

Submissions (2):

University of Washington Department of Laboratory Medicine, University of Washington
Classification: Likely benign for Hereditary cancer-predisposing syndrome. Last evaluated: 2023-03-23. Review status: criteria provided, single submitter. Criteria: Dines et al. (Genet Med. 2020). Collection method: curation. Allele origin: germline.
Comment: Missense variant in a coldspot region where missense variants are very unlikely to be pathogenic (PMID:31911673).

BRCA2 exon 11 coldspot. Reclassification based on statistical prior probability.

Ambry Genetics
Classification: Uncertain significance for Hereditary cancer-predisposing syndrome. Last evaluated: 2016-02-22. Review status: criteria provided, single submitter. Criteria: Ambry Variant Classification Scheme 2023. Collection method: clinical testing. Allele origin: germline.
Comment: The p.K1631Q variant (also known as c.4891A>C), located in coding exon 10 of the BRCA2 gene, results from an A to C substitution at nucleotide position 4891. The lysine at codon 1631 is replaced by glutamine, an amino acid with similar properties. This variant was not reported in population based cohorts in the following databases: Database of Single Nucleotide Polymorphisms (dbSNP), NHLBI Exome Sequencing Project (ESP), and 1000 Genomes Project. In the ESP, this variant was not observed in 6490 samples (12980 alleles) with coverage at this position. To date, this alteration has been detected with an allele frequency of approximately 0.0004% (greater than 225000 alleles tested) in our clinical cohort. This amino acid position is poorly conserved in available vertebrate species. In addition, this alteration is predicted to be tolerated by in silico analysis. Since supporting evidence is limited at this time, the clinical significance of this alteration remains unclear.

NM_000059.4(BRCA2):c.4891A>C (p.Lys1631Gln)

Gene: BRCA2 (BRCA2 DNA repair associated; plus strand). Cytogenetic location: 13q13.1.
Variant type: single nucleotide variant.
Coding change: c.4891A>C on transcript NM_000059.4 (MANE Select); coding-DNA position 4891, A replaced by C.
Protein change: p.Lys1631Gln; replaces lysine 1631 with glutamine.
Molecular consequence: missense variant.
Genome position (GRCh38, 1-based): chr13:32,339,246, A>C. VCF-style: chr13-32339246-A-C. GRCh37 (hg19) VCF-style: chr13-32913383-A-C.
Other names: short protein forms K1631Q.
Identifiers: ClinVar variation 483007 (VCV000483007.8), dbSNP rs748213879, ClinGen allele CA387783521.